The following is an entry in ClinVar:

ClinVar aggregate classification (germline): Pathogenic (1 of 4 stars; one submission).

Conditions:
Kartagener syndrome (CILD1). Also called: IMMOTILE CILIA SYNDROME; SIEWERT SYNDROME; POLYNESIAN BRONCHIECTASIS; CILIARY DYSKINESIA, PRIMARY, 1; CILIARY DYSKINESIA, PRIMARY, 1, WITH OR WITHOUT SITUS INVERSUS; Dextrocardia bronchiectasis and sinusitis. Identifiers: Orphanet 244, MedGen C4551906, MONDO:0009484, OMIM 244400.

Submission:

Research Unit of Respiratory Disease, The Second Xiangya Hospital of Central South University
Classification: Pathogenic for Kartagener syndrome. Last evaluated: 2021-02-01. Review status: criteria provided, single submitter. Criteria: ACMG Guidelines, 2015. Collection method: research. Allele origin: inherited. Inheritance: Autosomal recessive inheritance. Affected: yes. Observed: 1 variant allele, 1 homozygote.
Comment: Primary ciliary dyskinesia (PCD) of CCDC151 deficiency is uncommon. Female infertility in PCD related to CCDC151 variants has not been reported. We identified a novel homozygous variant in CCDC151, c.1166_1169dupAGAC, p. This frameshift variant was predicted to be disease causing by bioinformatics analysis and was also not presented in the current authorized large genetic databases. Our study enriches the genetic spectrum and clinical phenotypes of CCDC151 variants in PCD and provide more evidence for future genetic counseling and gene-targeted therapy for this disease.

Literature cited by the submitters: PubMed 25192045.

NM_145045.5(ODAD3):c.1166_1169dup (p.Leu391fs)

Gene: ODAD3 (outer dynein arm docking complex subunit 3; minus strand). Cytogenetic location: 19p13.2.
Variant type: Duplication.
Coding change: c.1166_1169dup on transcript NM_145045.5 (MANE Select); coding-DNA positions 1166 to 1169, 4 bases duplicated (AGAC; older notation c.1166_1169dupAGAC).
Protein change: p.Leu391fs; shifts the reading frame from leucine 391.
Molecular consequence: frameshift variant.
Genome position (GRCh38, 1-based): chr19:11,422,809-11,422,812, GTCT duplicated on the plus strand (AGAC on the coding strand, the reverse complement: ODAD3 is on the minus strand). VCF-style (leftmost placement, unchanged base first): chr19-11422808-C-CGTCT. GRCh37 (hg19) VCF-style: chr19-11533476-C-CGTCT.
Other names: c.1004_1007dup, p.Leu337fs (NM_001302453.1); c.986_989dup, p.Leu331fs (NM_001302454.2); short protein forms L331fs, L337fs, L391fs.
Identifiers: ClinVar variation 996146 (VCV000996146.2), dbSNP rs1969172237, ClinGen allele CA2322925029.